The following is an entry in ClinVar:

NM_002156.5(HSPD1):c.1530T>A (p.Phe510Leu)

Gene: HSPD1 (heat shock protein family D (Hsp60) member 1; minus strand). Cytogenetic location: 2q33.1.
Variant type: single nucleotide variant.
Coding change: c.1530T>A on transcript NM_002156.5 (MANE Select); coding-DNA position 1530, T replaced by A.
Protein change: p.Phe510Leu; replaces phenylalanine 510 with leucine.
Molecular consequence: missense variant.
Genome position (GRCh38, 1-based): chr2:197,487,897, A>T on the plus strand (T>A on the coding strand, the complement: HSPD1 is on the minus strand). VCF-style: chr2-197487897-A-T. GRCh37 (hg19) VCF-style: chr2-198352621-A-T.
Other names: c.1530T>A, p.Phe510Leu (NM_199440.2); short protein forms F510L.
Identifiers: ClinVar variation 2005420 (VCV002005420.4), dbSNP rs2470106003, ClinGen allele CA350198242.

ClinVar aggregate classification (germline): Uncertain significance (1 of 4 stars; one submission).

Conditions:
Spastic paraplegia. Identifiers: MedGen C0037772, HP:0001258.

Submission:

Labcorp Genetics (formerly Invitae), Labcorp
Classification: Uncertain significance for Spastic paraplegia. Last evaluated: 2022-06-13. Review status: criteria provided, single submitter. Criteria: Invitae Variant Classification Sherloc (09022015). Collection method: clinical testing. Allele origin: germline.
Comment: This sequence change replaces phenylalanine, which is neutral and non-polar, with leucine, which is neutral and non-polar, at codon 510 of the HSPD1 protein (p.Phe510Leu). This variant is not present in population databases (gnomAD no frequency). This variant has not been reported in the literature in individuals affected with HSPD1-related conditions. Algorithms developed to predict the effect of missense changes on protein structure and function (SIFT, PolyPhen-2, Align-GVGD) all suggest that this variant is likely to be tolerated. In summary, the available evidence is currently insufficient to determine the role of this variant in disease. Therefore, it has been classified as a Variant of Uncertain Significance.